The following is an entry in ClinVar:

ClinVar aggregate classification (germline): Uncertain significance. Review status: criteria provided, multiple submitters, no conflicts (2 of 4 stars). 3 submissions from 3 submitters: Uncertain significance (3). Last evaluated 2025-08-17.

Allele frequency attached by ClinVar (database versions not stated): gnomAD 0.00004 and 0.00005; TOPMed 0.00005.

Submissions (3):

GeneDx
Classification: Uncertain significance. Last evaluated: 2025-08-17. Review status: criteria provided, single submitter. Criteria: GeneDx Variant Classification Process June 2021. Collection method: clinical testing. Allele origin: germline. Affected: yes.
Comment: Apparently de novo variant in a patient with features of a neurodevelopmental disorder in the published literature (PMID: 33057194) but additional evidence is not available; In silico analysis suggests that this missense variant does not alter protein structure/function; This variant is associated with the following publications: (PMID: 35982159, 33057194)

Blueprint Genetics
Classification: Uncertain significance. Last evaluated: 2024-09-10. Review status: criteria provided, single submitter. Criteria: ACMG Guidelines, 2015. Collection method: clinical testing. Allele origin: germline.

Labcorp Genetics (formerly Invitae), Labcorp
Classification: Uncertain significance. Last evaluated: 2024-01-02. Review status: criteria provided, single submitter. Criteria: Invitae Variant Classification Sherloc (09022015). Collection method: clinical testing. Allele origin: germline.
Comment: This sequence change replaces arginine, which is basic and polar, with histidine, which is basic and polar, at codon 71 of the ABHD12 protein (p.Arg71His). This variant is present in population databases (rs768049980, gnomAD 0.01%). This variant has not been reported in the literature in individuals affected with ABHD12-related conditions. ClinVar contains an entry for this variant (Variation ID: 389008). An algorithm developed to predict the effect of missense changes on protein structure and function (PolyPhen-2) suggests that this variant¬†is likely to be tolerated. In summary, the available evidence is currently insufficient to determine the role of this variant in disease. Therefore, it has been classified as a Variant of Uncertain Significance.

NM_001042472.3(ABHD12):c.212G>A (p.Arg71His)

Gene: ABHD12 (abhydrolase domain containing 12, lysophospholipase; minus strand). Cytogenetic location: 20p11.21.
Variant type: single nucleotide variant.
Coding change: c.212G>A on transcript NM_001042472.3 (MANE Select); coding-DNA position 212, G replaced by A.
Protein change: p.Arg71His; replaces arginine 71 with histidine.
Molecular consequence: missense variant.
Genome position (GRCh38, 1-based): chr20:25,339,331, C>T on the plus strand (G>A on the coding strand, the complement: ABHD12 is on the minus strand). VCF-style: chr20-25339331-C-T. GRCh37 (hg19) VCF-style: chr20-25319967-C-T.
Other names: c.212G>A, p.Arg71His (NM_015600.5); short protein forms R71H.
Identifiers: ClinVar variation 389008 (VCV000389008.11), dbSNP rs768049980, ClinGen allele CA9796215.
Genomic context (GRCh38, chr20:25,339,331, plus strand): 5'-TTGATGAGAAATGGAATGGCAATGTACAACCCCAAAACACAGAAAAGTATCTTCCTCAGG[C>T]GCAACCACACGCCCTTTCGCCTGCAAGAGAAAAGCAATGAATAGGTCAGAAGGCAGTAGG-3'
Protein context (NP_001035937.1, residues 61-81): ALGRRKGVWL[Arg71His]LRKILFCVLG